The following is an entry in ClinVar:

NM_001100913.3(PACS2):c.2194A>G (p.Lys732Glu)

Gene: PACS2 (phosphofurin acidic cluster sorting protein 2; plus strand). Cytogenetic location: 14q32.33.
Variant type: single nucleotide variant.
Coding change: c.2194A>G on transcript NM_001100913.3 (MANE Select); coding-DNA position 2194, A replaced by G.
Protein change: p.Lys732Glu; replaces lysine 732 with glutamic acid.
Molecular consequence: missense variant.
Genome position (GRCh38, 1-based): chr14:105,391,705, A>G. VCF-style: chr14-105391705-A-G. GRCh37 (hg19) VCF-style: chr14-105858042-A-G.
Other names: c.1924A>G, p.Lys642Glu (NM_001243127.3); c.2149A>G, p.Lys717Glu (NM_015197.4); short protein forms K717E, K732E, K642E.
Identifiers: ClinVar variation 2700487 (VCV002700487.3), dbSNP rs2544889480, ClinGen allele CA391185901.

ClinVar aggregate classification (germline): Uncertain significance (1 of 4 stars; one submission).

Submission:

Labcorp Genetics (formerly Invitae), Labcorp
Classification: Uncertain significance. Last evaluated: 2023-12-02. Review status: criteria provided, single submitter. Criteria: Invitae Variant Classification Sherloc (09022015). Collection method: clinical testing. Allele origin: germline.
Comment: This sequence change replaces lysine, which is basic and polar, with glutamic acid, which is acidic and polar, at codon 732 of the PACS2 protein (p.Lys732Glu). This variant is not present in population databases (gnomAD no frequency). This variant has not been reported in the literature in individuals affected with PACS2-related conditions. Advanced modeling of protein sequence and biophysical properties (such as structural, functional, and spatial information, amino acid conservation, physicochemical variation, residue mobility, and thermodynamic stability) performed at Invitae indicates that this missense variant is not expected to disrupt PACS2 protein function with a negative predictive value of 80%. In summary, the available evidence is currently insufficient to determine the role of this variant in disease. Therefore, it has been classified as a Variant of Uncertain Significance.